The following is an entry in ClinVar:

NM_001005242.3(PKP2):c.2126T>A (p.Leu709Gln)

Gene: PKP2 (plakophilin 2; minus strand). Cytogenetic location: 12p11.21.
Variant type: single nucleotide variant.
Coding change: c.2126T>A on transcript NM_001005242.3 (MANE Select); coding-DNA position 2126, T replaced by A.
Protein change: p.Leu709Gln; replaces leucine 709 with glutamine.
Molecular consequence: missense variant.
Genome position (GRCh38, 1-based): chr12:32,802,444, A>T on the plus strand (T>A on the coding strand, the complement: PKP2 is on the minus strand). VCF-style: chr12-32802444-A-T. GRCh37 (hg19) VCF-style: chr12-32955378-A-T.
Other names: c.2126T>A, p.Leu709Gln (NM_001407155.1); c.1961T>A, p.Leu654Gln (NM_001407156.1); c.1799T>A, p.Leu600Gln (NM_001407158.1, NM_001407159.1, NM_001407160.1); c.2258T>A, p.Leu753Gln (NM_004572.4); short protein forms L600Q, L709Q, L654Q, L753Q.
Identifiers: ClinVar variation 2137310 (VCV002137310.4), dbSNP rs777577592, ClinGen allele CA033903.

ClinVar aggregate classification (germline): Uncertain significance (1 of 4 stars; one submission).

Conditions:
Arrhythmogenic right ventricular dysplasia 9 (ARVD9). Also called: Arrhythmogenic Right Ventricular Dysplasia/Cardiomyopathy 9; ARRHYTHMOGENIC RIGHT VENTRICULAR DYSPLASIA, FAMILIAL, 9. Identifiers: MedGen C1836906, MONDO:0012180, OMIM 609040.

Allele frequency attached by ClinVar (database versions not stated): gnomAD exomes below 0.00001; ExAC 0.00001; gnomAD 0.00001.
gnomAD v4.1: 2 of 1,614,040 alleles (0.00012%); highest among the groups gnomAD compares: African/African-American, 0.0013%; no homozygotes.

Submission:

Labcorp Genetics (formerly Invitae), Labcorp
Classification: Uncertain significance for Arrhythmogenic right ventricular dysplasia 9. Last evaluated: 2022-07-22. Review status: criteria provided, single submitter. Criteria: Invitae Variant Classification Sherloc (09022015). Collection method: clinical testing. Allele origin: germline.
Comment: In summary, the available evidence is currently insufficient to determine the role of this variant in disease. Therefore, it has been classified as a Variant of Uncertain Significance. Algorithms developed to predict the effect of missense changes on protein structure and function (SIFT, PolyPhen-2, Align-GVGD) all suggest that this variant is likely to be disruptive. This missense change has been observed in individual(s) with arrhythmogenic right ventricular cardiomyopathy (PMID: 21606390). This variant is present in population databases (rs777577592, gnomAD 0.0009%). This sequence change replaces leucine, which is neutral and non-polar, with glutamine, which is neutral and polar, at codon 753 of the PKP2 protein (p.Leu753Gln).

Literature cited by the submitters: PubMed 21606390.